The following is an entry in ClinVar:

ClinVar aggregate classification (germline): Likely benign. Review status: criteria provided, single submitter (1 of 4 stars). 2 submissions from 2 submitters: Likely benign (1). 1 of the submissions does not count toward it. Last evaluated 2025-12-22.

Conditions:
PRKDC-related disorder. Also called: PRKDC-related condition.
Severe combined immunodeficiency due to DNA-PKcs deficiency. Also called: Immunodeficiency 26 with or without neurologic abnormalities; IMMUNODEFICIENCY 26 WITH NEUROLOGIC ABNORMALITIES. Identifiers: Orphanet 317425, MedGen C4014833, MONDO:0014423, OMIM 615966.

Allele frequency attached by ClinVar (database versions not stated): gnomAD 0.00001; gnomAD exomes 0.00003 and 0.00007; ExAC 0.00010.

Submissions (2):

Labcorp Genetics (formerly Invitae), Labcorp
Classification: Likely benign for Severe combined immunodeficiency due to DNA-PKcs deficiency. Last evaluated: 2025-12-22. Review status: criteria provided, single submitter. Criteria: Invitae Variant Classification Sherloc (09022015). Collection method: clinical testing. Allele origin: germline.

PreventionGenetics, part of Exact Sciences
Classification: Likely benign for PRKDC-related condition. Last evaluated: 2023-10-05. Review status: no assertion criteria provided. Collection method: clinical testing. Allele origin: germline. Not counted in ClinVar's aggregate classification.
Comment: This variant is classified as likely benign based on ACMG/AMP sequence variant interpretation guidelines (Richards et al. 2015 PMID: 25741868, with internal and published modifications).

NM_006904.7(PRKDC):c.3834G>A (p.Ala1278=)

Gene: PRKDC (protein kinase, DNA-activated, catalytic subunit; minus strand). Cytogenetic location: 8q11.21.
Variant type: single nucleotide variant.
Coding change: c.3834G>A on transcript NM_006904.7 (MANE Select); coding-DNA position 3834, G replaced by A.
Protein change: p.Ala1278=; no amino-acid change (alanine 1278 retained).
Molecular consequence: synonymous variant.
Genome position (GRCh38, 1-based): chr8:47,893,152, C>T on the plus strand (G>A on the coding strand, the complement: PRKDC is on the minus strand). VCF-style: chr8-47893152-C-T. GRCh37 (hg19) VCF-style: chr8-48805713-C-T.
Other names: c.3834G>A (NM_006904.6); c.3834G>A, p.Ala1278= (NM_001081640.2).
Identifiers: ClinVar variation 1157214 (VCV001157214.11), dbSNP rs8178088, ClinGen allele CA4741079.
Genomic context (GRCh38, chr8:47,893,152, plus strand): 5'-GACTCTGGCAGCACGACACACACCAGAATAAGGCAAGGGTGACCTACCTAGGACCTGGAG[C>T]GCTCCTACAGTTCTCTCGCCAATGAACGTGTTGTAGCACTCCAACGCGGCCAGGAGCAGG-3'
Protein context (NP_008835.5, residues 1268-1288): NTFIGERTVG[Ala1278=]LQVLGTEAQS